The following is an entry in ClinVar:

NM_016219.5(MAN1B1):c.1742G>A (p.Gly581Asp)

Gene: MAN1B1 (mannosidase alpha class 1B member 1; plus strand). Cytogenetic location: 9q34.3.
Variant type: single nucleotide variant.
Coding change: c.1742G>A on transcript NM_016219.5 (MANE Select); coding-DNA position 1742, G replaced by A.
Protein change: p.Gly581Asp; replaces glycine 581 with aspartic acid.
Molecular consequence: missense variant. On other transcripts: non-coding transcript variant (2).
Genome position (GRCh38, 1-based): chr9:137,107,425, G>A. VCF-style: chr9-137107425-G-A. GRCh37 (hg19) VCF-style: chr9-140001877-G-A.
Other names: short protein forms G581D.
Identifiers: ClinVar variation 435808 (VCV000435808.46), dbSNP rs376968555, ClinGen allele CA5359352.

ClinVar aggregate classification (germline): Conflicting classifications of pathogenicity. Review status: criteria provided, conflicting classifications (1 of 4 stars). 7 submissions from 7 submitters: Uncertain significance (3); Benign (1); Likely benign (3). Last evaluated 2025-12-09.

Conditions:
Rafiq syndrome (RAFQS). Identifiers: Orphanet 88616, MedGen C3280127, MONDO:0013624, OMIM 614202.
Inborn genetic diseases. Identifiers: MedGen C0950123, MeSH D030342.

Allele frequency attached by ClinVar (database versions not stated): gnomAD exomes 0.00004 and 0.00019; gnomAD 0.00012 and 0.00014; ExAC 0.00017; TOPMed 0.00020.
gnomAD v4.1: 235 of 1,613,446 alleles (0.015%); highest among the groups gnomAD compares: East Asian, 0.12%; 8 homozygotes.

Submissions (7):

Labcorp Genetics (formerly Invitae), Labcorp
Classification: Benign for Rafiq syndrome. Last evaluated: 2025-12-09. Review status: criteria provided, single submitter. Criteria: Invitae Variant Classification Sherloc (09022015). Collection method: clinical testing. Allele origin: germline.

Blueprint Genetics
Classification: Likely benign. Last evaluated: 2024-11-25. Review status: criteria provided, single submitter. Criteria: ACMG Guidelines, 2015. Collection method: clinical testing. Allele origin: germline.

CeGaT Center for Human Genetics Tuebingen
Classification: Likely benign. Last evaluated: 2024-03-01. Review status: criteria provided, single submitter. Criteria: CeGaT Center For Human Genetics Tuebingen Variant Classification Criteria Version 2. Collection method: clinical testing. Allele origin: germline. Affected: yes. Observed: 1 variant allele.
Comment: MAN1B1: BP4, BS2

Ambry Genetics
Classification: Likely benign for Inborn genetic diseases. Last evaluated: 2022-03-16. Review status: criteria provided, single submitter. Criteria: Ambry Variant Classification Scheme 2023. Collection method: clinical testing. Allele origin: germline.

Fulgent Genetics
Classification: Uncertain significance for Rafiq syndrome. Last evaluated: 2018-10-31. Review status: criteria provided, single submitter. Criteria: ACMG Guidelines, 2015. Collection method: clinical testing. Allele origin: unknown.

Illumina Laboratory Services, Illumina
Classification: Uncertain significance for Rafiq syndrome. Last evaluated: 2018-01-13. Review status: criteria provided, single submitter. Criteria: ICSL Variant Classification Criteria 13 December 2019. Collection method: clinical testing. Allele origin: germline.

Genetic Services Laboratory, University of Chicago
Classification: Uncertain significance. Last evaluated: 2016-03-03. Review status: criteria provided, single submitter. Criteria: ACMG Guidelines, 2015. Collection method: clinical testing. Allele origin: germline. Affected: no.